The following is an entry in ClinVar:

ClinVar aggregate classification (germline): Pathogenic. Review status: criteria provided, single submitter (1 of 4 stars). 3 submissions from 3 submitters: Pathogenic (1). 2 of the submissions do not count toward it. Last evaluated 2023-03-30.

Conditions:
Mulibrey nanism syndrome. Also called: MUSCLE-LIVER-BRAIN-EYE NANISM; PERHEENTUPA SYNDROME; PERICARDIAL CONSTRICTION AND GROWTH FAILURE. Identifiers: Orphanet 2576, MedGen C0524582, MONDO:0009664, OMIM 253250.

Submissions (3):

Baylor Genetics
Classification: Pathogenic for Mulibrey nanism syndrome. Last evaluated: 2023-03-30. Review status: criteria provided, single submitter. Criteria: ACMG Guidelines, 2015. Collection method: clinical testing. Allele origin: unknown.

OMIM
Classification: Pathogenic for MULIBREY NANISM. Last evaluated: 2000-07-01. Review status: no assertion criteria provided. Collection method: literature only. Allele origin: germline. Not counted in ClinVar's aggregate classification.

Juha Muilu Group; Institute for Molecular Medicine Finland (FIMM)
Classification: Likely pathogenic for Mulibrey nanism syndrome. Review status: no assertion criteria provided. Collection method: not provided. Allele origin: unknown. Not counted in ClinVar's aggregate classification.
Comment: FinDis database variant: This variant was not found or characterized by our laboratory, data were collected from public sources: see reference
ClinVar note: Converted during submission from probable-pathogenic to Likely pathogenic.

Literature cited by the submitters: PubMed 10888877 (cited by OMIM).

NM_015294.6(TRIM37):c.838_842del (p.Thr280fs)

Gene: TRIM37 (tripartite motif containing 37; minus strand). Cytogenetic location: 17q22.
Variant type: Deletion.
Coding change: c.838_842del on transcript NM_015294.6 (MANE Select); coding-DNA positions 838 to 842, 5 bases deleted (ACTTT; older notation c.838_842delACTTT).
Protein change: p.Thr280fs; shifts the reading frame from threonine 280.
Molecular consequence: frameshift variant. On other transcripts: non-coding transcript variant (2), intron variant (1).
Genome position (GRCh38, 1-based): chr17:59,064,373-59,064,377, AAAGT deleted on the plus strand (ACTTT on the coding strand, the reverse complement: TRIM37 is on the minus strand); deleting any 5 consecutive bases within chr17:59,064,373-59,064,378 gives the same sequence; the c. name uses the placement nearest the transcript's 3' end. VCF-style (leftmost placement, unchanged base first): chr17-59064372-AAAAGT-A. GRCh37 (hg19) VCF-style: chr17-57141733-AAAAGT-A.
Other names: c.838_842del, p.Thr280fs (NM_001005207.5, NM_001320988.3, NM_001320989.3 and 1 more transcripts); c.736_740del, p.Thr246fs (NM_001320987.3, NM_001353082.2); c.472_476del, p.Thr158fs (NM_001320990.3); c.103_107del, p.Thr35fs (NM_001353083.2); c.376_380del, p.Thr126fs (NM_001353085.2); c.810-1729_810-1725del (NM_001353086.2); short protein forms T35fs, T126fs, T280fs, T158fs, T246fs.
Identifiers: ClinVar variation 56572 (VCV000056572.4), dbSNP rs386834007, ClinGen allele CA144382.